The following is an entry in ClinVar:

ClinVar aggregate classification (germline): Likely pathogenic (1 of 4 stars; one submission).

Conditions:
Multiple endocrine neoplasia, type 1 (MEN1). Also called: MEN I; WERMER SYNDROME; Endocrine adenomatosis multiple; MEN 1; MEA I. Identifiers: Orphanet 652, MedGen C0025267, MeSH D018761, MONDO:0007540, OMIM 131100.

Submission:

Labcorp Genetics (formerly Invitae), Labcorp
Classification: Likely pathogenic for Multiple endocrine neoplasia, type 1. Last evaluated: 2025-06-16. Review status: criteria provided, single submitter. Criteria: Invitae Variant Classification Sherloc (09022015). Collection method: clinical testing. Allele origin: germline.
Comment: This sequence change replaces serine, which is neutral and polar, with tyrosine, which is neutral and polar, at codon 38 of the MEN1 protein (p.Ser38Tyr). This variant is not present in population databases (gnomAD no frequency). This variant has not been reported in the literature in individuals affected with MEN1-related conditions. ClinVar contains an entry for this variant (Variation ID: 2845310). Invitae Evidence Modeling of protein sequence and biophysical properties (such as structural, functional, and spatial information, amino acid conservation, physicochemical variation, residue mobility, and thermodynamic stability) indicates that this missense variant is expected to disrupt MEN1 protein function with a positive predictive value of 95%. This variant disrupts the p.Ser38 amino acid residue in MEN1. Other variant(s) that disrupt this residue have been determined to be pathogenic (internal data). This suggests that this residue is clinically significant, and that variants that disrupt this residue are likely to be disease-causing. In summary, the currently available evidence indicates that the variant is pathogenic, but additional data are needed to prove that conclusively. Therefore, this variant has been classified as Likely Pathogenic.

NM_001370259.2(MEN1):c.113C>A (p.Ser38Tyr)

Gene: MEN1 (menin 1; minus strand). Cytogenetic location: 11q13.1.
Variant type: single nucleotide variant.
Coding change: c.113C>A on transcript NM_001370259.2 (MANE Select); coding-DNA position 113, C replaced by A.
Protein change: p.Ser38Tyr; replaces serine 38 with tyrosine.
Molecular consequence: missense variant. On other transcripts: non-coding transcript variant (4).
Genome position (GRCh38, 1-based): chr11:64,809,997, G>T on the plus strand (C>A on the coding strand, the complement: MEN1 is on the minus strand). VCF-style: chr11-64809997-G-T. GRCh37 (hg19) VCF-style: chr11-64577469-G-T.
Other names: c.113C>A, p.Ser38Tyr (NM_000244.4, NM_001370251.2, NM_001370260.2 and 20 more transcripts); short protein forms S38Y.
Identifiers: ClinVar variation 2845310 (VCV002845310.3), dbSNP rs794728616, ClinGen allele CA381187927.
Genomic context (GRCh38, chr11:64,809,997, plus strand): 5'-ACGTTGGTAGGGATGACGCGGTTGACAGCCAGAAAATGCTCCACGAAGCCCAGCACCAAG[G>T]AAAGGAGCACCAGGTCCGGCTCCTCTCGGCCCAGCTCGGCAGCAAACAGGCGCACCACGT-3'
Protein context (NP_001357188.2, residues 28-48): GREEPDLVLL[Ser38Tyr]LVLGFVEHFL